The following is an entry in ClinVar:

ClinVar aggregate classification (germline): Uncertain significance. Review status: criteria provided, multiple submitters, no conflicts (2 of 4 stars). 4 submissions from 4 submitters: Uncertain significance (3). 1 of the submissions does not count toward it. Last evaluated 2024-11-12.

Conditions:
Familial cancer of breast. Also called: BREAST CANCER, FAMILIAL; Hereditary breast cancer; hereditary breast carcinoma. Identifiers: Orphanet 227535, MedGen C0346153, MONDO:0016419, OMIM 114480. Disease mechanism: loss of function.
Fanconi anemia (FA). Also called: Fanconi's anemia. Identifiers: Orphanet 84, MedGen C0015625, MeSH D005199, MONDO:0019391.
Fanconi anemia complementation group P. Also called: SLX4-Related Fanconi Anemia. Identifiers: Orphanet 84, MedGen C3469542, MONDO:0013499, OMIM 613951.

Allele frequency attached by ClinVar (database versions not stated): gnomAD 0.00001; gnomAD exomes 0.00001; ExAC 0.00002; TOPMed 0.00002.

Submissions (4):

Labcorp Genetics (formerly Invitae), Labcorp
Classification: Uncertain significance for Fanconi anemia. Last evaluated: 2024-11-12. Review status: criteria provided, single submitter. Criteria: Invitae Variant Classification Sherloc (09022015). Collection method: clinical testing. Allele origin: germline.
Comment: This sequence change replaces cysteine, which is neutral and slightly polar, with arginine, which is basic and polar, at codon 1805 of the SLX4 protein (p.Cys1805Arg). This variant is present in population databases (rs746191123, gnomAD 0.002%). This missense change has been observed in individual(s) with breast cancer (PMID: 33558524). ClinVar contains an entry for this variant (Variation ID: 690302). An algorithm developed to predict the effect of missense changes on protein structure and function (PolyPhen-2) suggests that this variant is likely to be disruptive. Experimental studies are conflicting or provide insufficient evidence to determine the effect of this variant on SLX4 function (PMID: 23994477). In summary, the available evidence is currently insufficient to determine the role of this variant in disease. Therefore, it has been classified as a Variant of Uncertain Significance.

Fulgent Genetics
Classification: Uncertain significance for Fanconi anemia complementation group P. Last evaluated: 2024-01-18. Review status: criteria provided, single submitter. Criteria: ACMG Guidelines, 2015. Collection method: clinical testing. Allele origin: germline.

Breakthrough Genomics
Classification: Uncertain significance. Review status: criteria provided, single submitter. Criteria: ACMG Guidelines, 2015. Collection method: not provided. Allele origin: germline. Inheritance: Autosomal recessive inheritance. Affected: yes.

Center of Medical Genetics and Primary Health Care
Classification: Uncertain significance for Hereditary breast cancer. Last evaluated: 2020-05-01. Review status: no assertion criteria provided. Collection method: research. Allele origin: germline. Affected: yes. Observed: 2 variant alleles, 2 heterozygotes. Not counted in ClinVar's aggregate classification.
Comment: SLX4 missense variant p.Cys1805Arg is in exon 15 of the SLX4 gene in the structure-specific endonuclease subunit SLX4 domain (D1753-1810T aa). SLX4 is a regulatory subunit of the SLX1-SLX4 structure-specific endonuclease that resolves DNA secondary structures generated during DNA repair and recombination (Munoz et al., 2009; Fekairi et al., 2009). The allele frequency in GnomAD exomes is 0.000008 which does not exceed the estimated maximal expected allele frequency for a pathogenic SLX4 variant of 0.0001, and the variant is not found in GnomAD genomes (PM2 Pathogenic Moderate). 6 pathogenic predictions from DEOGEN2, FATHMM-MKL, M-CAP, MutationAssessor, MutationTaster and SIFT vs 5 benign predictions from DANN, EIGEN, MVP, PrimateAI and REVEL support its deleterious effect (PP3 Pathogenic Supporting). Based on the limited evidence and the fact that this variant has not been reported before in disease, we consider this variant as a Variant of Uncertain Significance.

Literature cited by the submitters: PubMed 33558524 (cited by Labcorp Genetics (formerly Invitae), Labcorp); PubMed 23994477 (cited by Labcorp Genetics (formerly Invitae), Labcorp).

NM_032444.4(SLX4):c.5413T>C (p.Cys1805Arg)

Gene: SLX4 (SLX4 structure-specific endonuclease subunit; minus strand). Cytogenetic location: 16p13.3.
Variant type: single nucleotide variant.
Coding change: c.5413T>C on transcript NM_032444.4 (MANE Select); coding-DNA position 5413, T replaced by C.
Protein change: p.Cys1805Arg; replaces cysteine 1805 with arginine.
Molecular consequence: missense variant.
Genome position (GRCh38, 1-based): chr16:3,582,434, A>G on the plus strand (T>C on the coding strand, the complement: SLX4 is on the minus strand). VCF-style: chr16-3582434-A-G. GRCh37 (hg19) VCF-style: chr16-3632435-A-G.
Other names: short protein forms C1805R.
Identifiers: ClinVar variation 690302 (VCV000690302.11), dbSNP rs746191123, ClinGen allele CA7865318.
Genomic context (GRCh38, chr16:3,582,434, plus strand): 5'-GCTGCCGCCTCCTGCCCTGGAGCTTCTCCCTGCGGGTGGCGGCAGTGGTGAAGGTGATAC[A>G]GTGGGTGTCCAGGAAGTCCAACAGCCTGCGCGAGGACACACGGAGGCCGTTCTGCCTCAG-3'
Protein context (NP_115820.2, residues 1795-1815): RRLLDFLDTH[Cys1805Arg]ITFTTAATRR